The following is an entry in ClinVar:

ClinVar aggregate classification (germline): Likely pathogenic. Review status: criteria provided, multiple submitters, no conflicts (2 of 4 stars). 2 submissions from 2 submitters: Likely pathogenic (2). Last evaluated 2025-07-08.

Conditions:
Hereditary cancer-predisposing syndrome. Also called: Tumor predisposition; Hereditary Cancer Syndrome; Hereditary neoplastic syndrome; Neoplastic Syndromes, Hereditary. Identifiers: Orphanet 140162, MedGen C0027672, MeSH D009386, MONDO:0015356.
Familial cancer of breast. Also called: Hereditary breast cancer; BREAST CANCER, FAMILIAL; hereditary breast carcinoma. Identifiers: Orphanet 227535, MedGen C0346153, MONDO:0016419, OMIM 114480. Disease mechanism: loss of function.

Allele frequency attached by ClinVar (database versions not stated): gnomAD exomes below 0.00001.
gnomAD v4.1: 1 of 1,612,394 alleles (0.000062%); highest among the groups gnomAD compares: South Asian, 0.0011%; no homozygotes.

Submissions (2):

Ambry Genetics
Classification: Likely pathogenic for Hereditary cancer-predisposing syndrome. Last evaluated: 2025-07-08. Review status: criteria provided, single submitter. Criteria: Ambry Variant Classification Scheme 2023. Collection method: clinical testing. Allele origin: germline.
Comment: The c.7516-1G>A intronic variant results from a G to A substitution one nucleotide upstream from coding exon 50 of the ATM gene. Alterations that disrupt the canonical splice site are expected to cause aberrant splicing, resulting in an abnormal protein or a transcript that is subject to nonsense-mediated mRNA decay. RNA studies have demonstrated that this alteration results in abnormal splicing in the set of samples tested (Ambry internal data). This nucleotide position is highly conserved in available vertebrate species. Based on the majority of available evidence to date, this variant is likely to be pathogenic.

Myriad Genetics, Inc.
Classification: Likely pathogenic for Familial cancer of breast. Last evaluated: 2023-01-10. Review status: criteria provided, single submitter. Criteria: Myriad Autosomal Dominant, Autosomal Recessive and X-Linked Classification Criteria (2023). Collection method: clinical testing. Allele origin: unknown.
Comment: This variant is considered likely pathogenic. This variant occurs within a consensus splice junction and is predicted to result in abnormal mRNA splicing of either an out-of-frame exon or an in-frame exon necessary for protein stability and/or normal function.

NM_000051.4(ATM):c.7516-1G>A

Genes: ATM (ATM serine/threonine kinase; plus strand), C11orf65 (chromosome 11 open reading frame 65; minus strand). Cytogenetic location: 11q22.3.
Variant type: single nucleotide variant.
Coding change: c.7516-1G>A on transcript NM_000051.4 (MANE Select); the canonical splice acceptor site of the intron before coding-DNA position 7516, G replaced by A.
Molecular consequence: splice acceptor variant. On other transcripts: non-coding transcript variant (1), intron variant (2).
Genome position (GRCh38, 1-based): chr11:108,331,443, G>A. VCF-style: chr11-108331443-G-A. GRCh37 (hg19) VCF-style: chr11-108202170-G-A.
Other names: c.7516-1G>A (NM_001351834.2); c.641-22372C>T (NM_001330368.2); c.*38+3777C>T (NM_001351110.2).
Identifiers: ClinVar variation 2431254 (VCV002431254.4), dbSNP rs2136490774, ClinGen allele CA382560628.